The following is an entry in ClinVar:

ClinVar aggregate classification (germline): Likely benign. Review status: criteria provided, multiple submitters, no conflicts (2 of 4 stars). 2 submissions from 2 submitters: Likely benign (2). Last evaluated 2026-06-01.

Conditions:
Emery-Dreifuss muscular dystrophy 5, autosomal dominant (EDMD5). Also called: EMERY-DREIFUSS MUSCULAR DYSTROPHY 5. Identifiers: Orphanet 261, MedGen C2751805, MONDO:0013072, OMIM 612999.

Allele frequency attached by ClinVar (database versions not stated): ExAC 0.00003; gnomAD 0.00003 and 0.00004; TOPMed 0.00006; ESP Exome Variant Server 0.00031.
gnomAD v4.1: 38 of 1,613,980 alleles (0.0024%); highest among the groups gnomAD compares: Middle Eastern, 0.033%; no homozygotes.

Submissions (2):

CeGaT Center for Human Genetics Tuebingen
Classification: Likely benign. Last evaluated: 2026-06-01. Review status: criteria provided, single submitter. Criteria: CeGaT Center For Human Genetics Tuebingen Variant Classification Criteria Version 2. Collection method: clinical testing. Allele origin: germline. Affected: yes. Observed: 1 variant allele.
Comment: SYNE2: BS2

Labcorp Genetics (formerly Invitae), Labcorp
Classification: Likely benign for Emery-Dreifuss muscular dystrophy 5, autosomal dominant. Last evaluated: 2024-12-19. Review status: criteria provided, single submitter. Criteria: Invitae Variant Classification Sherloc (09022015). Collection method: clinical testing. Allele origin: germline.

NM_182914.3(SYNE2):c.13452C>T (p.Ser4484=)

Gene: SYNE2 (spectrin repeat containing nuclear envelope protein 2; plus strand). Cytogenetic location: 14q23.2.
Variant type: single nucleotide variant.
Coding change: c.13452C>T on transcript NM_182914.3 (MANE Select); coding-DNA position 13452, C replaced by T.
Protein change: p.Ser4484=; no amino-acid change (serine 4484 retained).
Molecular consequence: synonymous variant.
Genome position (GRCh38, 1-based): chr14:64,125,108, C>T. VCF-style: chr14-64125108-C-T. GRCh37 (hg19) VCF-style: chr14-64591826-C-T.
Other names: c.13452C>T, p.Ser4484= (NM_015180.6).
Identifiers: ClinVar variation 789928 (VCV000789928.11), dbSNP rs138084733, ClinGen allele CA7222454.
Genomic context (GRCh38, chr14:64,125,108, plus strand): 5'-GTCAGTAATAGGGTTTTCCTTTGTCAAATAGGTTTCCACAAATATGGGTATTCTACCCAG[C>T]GTGACTATGTATAACTTTAGATACCCAACAACTGAAGAACTGAAAACCTATACCACCCAA-3'
Protein context (NP_878918.2, residues 4474-4494): QVSTNMGILP[Ser4484=]VTMYNFRYPT